The following is an entry in ClinVar:

ClinVar aggregate classification (germline): Uncertain significance (1 of 4 stars; one submission).

Submission:

GeneDx
Classification: Uncertain significance. Last evaluated: 2024-05-15. Review status: criteria provided, single submitter. Criteria: GeneDx Variant Classification Process June 2021. Collection method: clinical testing. Allele origin: germline. Affected: yes.
Comment: Not observed at significant frequency in large population cohorts (gnomAD); In silico analysis indicates that this missense variant does not alter protein structure/function; Has not been previously published as pathogenic or benign to our knowledge

NM_001387430.1(SH2B1):c.139C>T (p.Leu47Phe)

Gene: SH2B1 (SH2B adaptor protein 1; plus strand). Cytogenetic location: 16p11.2.
Variant type: single nucleotide variant.
Coding change: c.139C>T on transcript NM_001387430.1 (MANE Select); coding-DNA position 139, C replaced by T.
Protein change: p.Leu47Phe; replaces leucine 47 with phenylalanine.
Molecular consequence: missense variant. On other transcripts: intron variant (1).
Genome position (GRCh38, 1-based): chr16:28,866,233, C>T. VCF-style: chr16-28866233-C-T. GRCh37 (hg19) VCF-style: chr16-28877554-C-T.
Other names: c.139C>T, p.Leu47Phe (NM_001145795.2, NM_001145796.2, NM_001145797.2 and 4 more transcripts); c.-26-1141C>T (NM_001308294.2); short protein forms L47F.
Identifiers: ClinVar variation 3377925 (VCV003377925.1).